The following is an entry in ClinVar:

ClinVar aggregate classification (germline): Uncertain significance (1 of 4 stars; one submission).

Allele frequency attached by ClinVar (database versions not stated): gnomAD exomes below 0.00001; ExAC 0.00001; TOPMed 0.00002; gnomAD 0.00001.
gnomAD v4.1: 6 of 1,614,024 alleles (0.00037%); highest among the groups gnomAD compares: African/African-American, 0.004%; no homozygotes.

Submission:

Labcorp Genetics (formerly Invitae), Labcorp
Classification: Uncertain significance. Last evaluated: 2025-12-03. Review status: criteria provided, single submitter. Criteria: Invitae Variant Classification Sherloc (09022015). Collection method: clinical testing. Allele origin: germline.
Comment: This sequence change replaces methionine, which is neutral and non-polar, with threonine, which is neutral and polar, at codon 2213 of the KMT2A protein (p.Met2213Thr). This variant is present in population databases (rs782165681, gnomAD 0.0009%). This variant has not been reported in the literature in individuals affected with KMT2A-related conditions. ClinVar contains an entry for this variant (Variation ID: 3020347). Invitae Evidence Modeling of protein sequence and biophysical properties (such as structural, functional, and spatial information, amino acid conservation, physicochemical variation, residue mobility, and thermodynamic stability) indicates that this missense variant is not expected to disrupt KMT2A protein function with a negative predictive value of 95%. In summary, the available evidence is currently insufficient to determine the role of this variant in disease. Therefore, it has been classified as a Variant of Uncertain Significance.

NM_001197104.2(KMT2A):c.6638T>C (p.Met2213Thr)

Gene: KMT2A (lysine methyltransferase 2A; plus strand). Cytogenetic location: 11q23.3.
Variant type: single nucleotide variant.
Coding change: c.6638T>C on transcript NM_001197104.2 (MANE Select); coding-DNA position 6638, T replaced by C.
Protein change: p.Met2213Thr; replaces methionine 2213 with threonine.
Molecular consequence: missense variant.
Genome position (GRCh38, 1-based): chr11:118,502,530, T>C. VCF-style: chr11-118502530-T-C. GRCh37 (hg19) VCF-style: chr11-118373245-T-C.
Other names: c.6728T>C, p.Met2243Thr (NM_001412597.1); c.6629T>C, p.Met2210Thr (NM_005933.4); short protein forms M2210T, M2243T, M2213T.
Identifiers: ClinVar variation 3020347 (VCV003020347.3), dbSNP rs782165681, ClinGen allele CA6304287.
Genomic context (GRCh38, chr11:118,502,530, plus strand): 5'-TTGGCTCCAGGCGTCACAGTACCTCTTCCTTATCACCCCAGCGGTCCAAACTCCGGATAA[T>C]GTCTCCAATGAGAACTGGGAATACTTACTCTAGGAATAATGTTTCCTCAGTCTCCACCAC-3'
Protein context (NP_001184033.1, residues 2203-2223): LSPQRSKLRI[Met2213Thr]SPMRTGNTYS